The following is an entry in ClinVar:

NM_000455.5(STK11):c.1049A>G (p.Asp350Gly)

Genes: STK11 (serine/threonine kinase 11; plus strand), LOC130062899 (ATAC-STARR-seq lymphoblastoid active region 13597; plus strand). Cytogenetic location: 19p13.3.
Variant type: single nucleotide variant.
Coding change: c.1049A>G on transcript NM_000455.5 (MANE Select); coding-DNA position 1049, A replaced by G.
Protein change: p.Asp350Gly; replaces aspartic acid 350 with glycine.
Molecular consequence: missense variant.
Genome position (GRCh38, 1-based): chr19:1,223,113, A>G. VCF-style: chr19-1223113-A-G. GRCh37 (hg19) VCF-style: chr19-1223112-A-G.
Other names: short protein forms D350G.
Identifiers: ClinVar variation 230358 (VCV000230358.16), dbSNP rs876658522, ClinGen allele CA10581016.

ClinVar aggregate classification (germline): Uncertain significance. Review status: criteria provided, multiple submitters, no conflicts (2 of 4 stars). 3 submissions from 3 submitters: Uncertain significance (3). Last evaluated 2024-05-30.

Conditions:
Hereditary cancer-predisposing syndrome. Also called: Hereditary Cancer Syndrome; Neoplastic Syndromes, Hereditary; Tumor predisposition; Hereditary neoplastic syndrome. Identifiers: Orphanet 140162, MedGen C0027672, MeSH D009386, MONDO:0015356.
Peutz-Jeghers syndrome (PJS). Also called: POLYPOSIS, HAMARTOMATOUS INTESTINAL; POLYPS-AND-SPOTS SYNDROME; Peutz-Jeghers polyposis; Periorificial lentiginosis syndrome. Identifiers: Orphanet 2869, MedGen C0031269, MeSH D010580, MONDO:0008280, OMIM 175200.

Submissions (3):

Ambry Genetics
Classification: Uncertain significance for Hereditary cancer-predisposing syndrome. Last evaluated: 2024-05-30. Review status: criteria provided, single submitter. Criteria: Ambry Variant Classification Scheme 2023. Collection method: clinical testing. Allele origin: germline.
Comment: The p.D350G variant (also known as c.1049A>G), located in coding exon 8 of the STK11 gene, results from an A to G substitution at nucleotide position 1049. The aspartic acid at codon 350 is replaced by glycine, an amino acid with similar properties. This amino acid position is not well conserved in available vertebrate species. In addition, this alteration is predicted to be tolerated by in silico analysis. Since supporting evidence is limited at this time, the clinical significance of this alteration remains unclear.

All of Us Research Program, National Institutes of Health
Classification: Uncertain significance for Peutz-Jeghers syndrome. Last evaluated: 2024-03-24. Review status: criteria provided, single submitter. Criteria: ACMG Guidelines, 2015. Collection method: clinical testing. Allele origin: germline. Inheritance: Autosomal dominant inheritance. Observed: 2 variant alleles, 2 heterozygotes.
Comment: This missense variant replaces aspartic acid with glycine at codon 350 of the STK11 protein. Computational prediction suggests that this variant may not impact protein structure and function (internally defined REVEL score threshold <= 0.5, PMID: 27666373). To our knowledge, functional studies have not been reported for this variant. This variant has not been reported in individuals affected with STK11-related disorders in the literature. This variant has not been identified in the general population by the Genome Aggregation Database (gnomAD). The available evidence is insufficient to determine the role of this variant in disease conclusively. Therefore, this variant is classified as a Variant of Uncertain Significance.

This study involves interpretation of variants in research participants for the purpose of population health screening. Participant phenotype was not available at the time of variant classification. Additional details can be found in publication PMID: 35346344, PMCID: PMC8962531

Labcorp Genetics (formerly Invitae), Labcorp
Classification: Uncertain significance for Peutz-Jeghers syndrome. Last evaluated: 2023-08-14. Review status: criteria provided, single submitter. Criteria: Invitae Variant Classification Sherloc (09022015). Collection method: clinical testing. Allele origin: germline.
Comment: ClinVar contains an entry for this variant (Variation ID: 230358). This variant has not been reported in the literature in individuals affected with STK11-related conditions. This variant is not present in population databases (gnomAD no frequency). This sequence change replaces aspartic acid, which is acidic and polar, with glycine, which is neutral and non-polar, at codon 350 of the STK11 protein (p.Asp350Gly). In summary, the available evidence is currently insufficient to determine the role of this variant in disease. Therefore, it has been classified as a Variant of Uncertain Significance. Advanced modeling of protein sequence and biophysical properties (such as structural, functional, and spatial information, amino acid conservation, physicochemical variation, residue mobility, and thermodynamic stability) performed at Invitae indicates that this missense variant is not expected to disrupt STK11 protein function.